The following is an entry in ClinVar:

ClinVar aggregate classification (germline): Uncertain significance (1 of 4 stars; one submission).

Conditions:
Encephalopathy, acute, infection-induced (herpes-specific), susceptibility to, 1. Also called: Herpes simplex encephalitis, susceptibility to, 1. Identifiers: Orphanet 1930, MedGen C2750180, MONDO:0024563, OMIM 610551.

Allele frequency attached by ClinVar (database versions not stated): gnomAD 0.00002; gnomAD exomes 0.00002 and 0.00001; TOPMed 0.00002.

Submission:

Labcorp Genetics (formerly Invitae), Labcorp
Classification: Uncertain significance for Encephalopathy, acute, infection-induced (herpes-specific), susceptibility to, 1. Last evaluated: 2021-06-30. Review status: criteria provided, single submitter. Criteria: Invitae Variant Classification Sherloc (09022015). Collection method: clinical testing. Allele origin: germline.
Comment: In summary, the available evidence is currently insufficient to determine the role of this variant in disease. Therefore, it has been classified as a Variant of Uncertain Significance. Algorithms developed to predict the effect of missense changes on protein structure and function (SIFT, PolyPhen-2, Align-GVGD) all suggest that this variant is likely to be tolerated, but these predictions have not been confirmed by published functional studies and their clinical significance is uncertain. This variant has not been reported in the literature in individuals with UNC93B1-related conditions. The frequency data for this variant in the population databases is considered unreliable, as metrics indicate insufficient coverage at this position in the ExAC database. This sequence change replaces methionine with valine at codon 493 of the UNC93B1 protein (p.Met493Val). The methionine residue is moderately conserved and there is a small physicochemical difference between methionine and valine.

NM_030930.4(UNC93B1):c.1477A>G (p.Met493Val)

Gene: UNC93B1 (unc-93B1 regulator of TLR signaling; minus strand). Cytogenetic location: 11q13.2.
Variant type: single nucleotide variant.
Coding change: c.1477A>G on transcript NM_030930.4 (MANE Select); coding-DNA position 1477, A replaced by G.
Protein change: p.Met493Val; replaces methionine 493 with valine.
Molecular consequence: missense variant.
Genome position (GRCh38, 1-based): chr11:67,993,681, T>C on the plus strand (A>G on the coding strand, the complement: UNC93B1 is on the minus strand). VCF-style: chr11-67993681-T-C. GRCh37 (hg19) VCF-style: chr11-67761152-T-C.
Other names: short protein forms M493V.
Identifiers: ClinVar variation 1396747 (VCV001396747.5), dbSNP rs1349985676, ClinGen allele CA381568651.
Genomic context (GRCh38, chr11:67,993,681, plus strand): 5'-GGCTAAGGAAGTACCTGTCATTGGGCATGGGGCCCCCAACCCTGCCCAGTCTCACCTTCA[T>C]GTGCAGGCTCGAGCCCAGGTACACGGTGAAGATGGCCACAGCCTGCCACCAGTGGTAGAT-3'
Protein context (NP_112192.2, residues 483-503): FTVYLGSSLH[Met493Val]KAKLAVLLVT